The following is an entry in ClinVar:

NM_001039591.3(USP9X):c.4885G>C (p.Ala1629Pro)

Gene: USP9X (ubiquitin specific peptidase 9 X-linked; plus strand). Cytogenetic location: Xp11.4.
Variant type: single nucleotide variant.
Coding change: c.4885G>C on transcript NM_001039591.3 (MANE Select); coding-DNA position 4885, G replaced by C.
Protein change: p.Ala1629Pro; replaces alanine 1629 with proline.
Molecular consequence: missense variant.
Genome position (GRCh38, 1-based): chrX:41,205,363, G>C. VCF-style: chrX-41205363-G-C. GRCh37 (hg19) VCF-style: chrX-41064616-G-C.
Other names: c.4885G>C, p.Ala1629Pro (NM_001039590.3); short protein forms A1629P.
Identifiers: ClinVar variation 985863 (VCV000985863.7), dbSNP rs1473258784, ClinGen allele CA412781177.
Genomic context (GRCh38, chrX:41,205,363, plus strand): 5'-AGCAATGTTGATCCCAGGGATGATGTATTTGGATATCCTCAACAATTTGAAGATAAACCA[G>C]CATTAAGTAAAACTGAAGATAGAAAAGAGTACAACATTGGTGTCCTAAGACACCTTCAGG-3'
Protein context (NP_001034680.2, residues 1619-1639): GYPQQFEDKP[Ala1629Pro]LSKTEDRKEY

ClinVar aggregate classification (germline): Uncertain significance. Review status: criteria provided, multiple submitters, no conflicts (2 of 4 stars). 2 submissions from 2 submitters: Uncertain significance (2). Last evaluated 2023-03-08.

Conditions:
Inborn genetic diseases. Identifiers: MedGen C0950123, MeSH D030342.

Submissions (2):

Labcorp Genetics (formerly Invitae), Labcorp
Classification: Uncertain significance. Last evaluated: 2023-03-08. Review status: criteria provided, single submitter. Criteria: Invitae Variant Classification Sherloc (09022015). Collection method: clinical testing. Allele origin: germline.
Comment: This sequence change replaces alanine, which is neutral and non-polar, with proline, which is neutral and non-polar, at codon 1629 of the USP9X protein (p.Ala1629Pro). This variant is not present in population databases (gnomAD no frequency). This variant has not been reported in the literature in individuals affected with USP9X-related conditions. ClinVar contains an entry for this variant (Variation ID: 985863). Algorithms developed to predict the effect of missense changes on protein structure and function output the following: SIFT: "Not Available"; PolyPhen-2: "Benign"; Align-GVGD: "Not Available". The proline amino acid residue is found in multiple mammalian species, which suggests that this missense change does not adversely affect protein function. In summary, the available evidence is currently insufficient to determine the role of this variant in disease. Therefore, it has been classified as a Variant of Uncertain Significance.

Ambry Genetics
Classification: Uncertain significance for Inborn genetic diseases. Last evaluated: 2022-03-27. Review status: criteria provided, single submitter. Criteria: Ambry Variant Classification Scheme 2023. Collection method: clinical testing. Allele origin: germline.
Comment: The c.4885G>C (p.A1629P) alteration is located in exon 32 (coding exon 31) of the USP9X gene. This alteration results from a G to C substitution at nucleotide position 4885, causing the alanine (A) at amino acid position 1629 to be replaced by a proline (P). This variant was not reported in population-based cohorts in the Genome Aggregation Database (gnomAD). This amino acid position is not well conserved in available vertebrate species. This alteration is predicted to be tolerated by in silico analysis. Based on insufficient or conflicting evidence, the clinical significance of this alteration remains unclear.